The following is an entry in ClinVar:

NM_005055.5(RAPSN):c.1166+2T>G

Gene: RAPSN (receptor associated protein of the synapse; minus strand). Cytogenetic location: 11p11.2.
Variant type: single nucleotide variant.
Coding change: c.1166+2T>G on transcript NM_005055.5 (MANE Select); the canonical splice donor site of the intron after coding-DNA position 1166, T replaced by G.
Molecular consequence: splice donor variant.
Genome position (GRCh38, 1-based): chr11:47,438,730, A>C on the plus strand (T>G on the coding strand, the complement: RAPSN is on the minus strand). VCF-style: chr11-47438730-A-C. GRCh37 (hg19) VCF-style: chr11-47460281-A-C.
Other names: c.989+2T>G (NM_032645.5).
Identifiers: ClinVar variation 2163124 (VCV002163124.4), dbSNP rs748561503, ClinGen allele CA221713977.

ClinVar aggregate classification (germline): Pathogenic (1 of 4 stars; one submission).

Conditions:
Fetal akinesia deformation sequence 1 (FADS1). Also called: Fetal akinesia sequence; Pena-Shokeir syndrome type I. Identifiers: Orphanet 994, MedGen C1276035, MONDO:0100101, OMIM 208150, HP:0001989.
Congenital myasthenic syndrome 11. Also called: MYASTHENIC SYNDROME, CONGENITAL, Ie; Myasthenic syndrome, congenital, 11, associated with acetylcholine receptor deficiency. Identifiers: Orphanet 590, MedGen C4225367, MONDO:0014588, OMIM 616326.

Submission:

Labcorp Genetics (formerly Invitae), Labcorp
Classification: Pathogenic for Congenital myasthenic syndrome 11; Fetal akinesia deformation sequence 1. Last evaluated: 2022-10-28. Review status: criteria provided, single submitter. Criteria: Invitae Variant Classification Sherloc (09022015). Collection method: clinical testing. Allele origin: germline.
Comment: This variant disrupts a region of the RAPSN protein in which other variant(s) (p.Thr396Profs*12) have been determined to be pathogenic (PMID: 26782015, 29054425). This suggests that this is a clinically significant region of the protein, and that variants that disrupt it are likely to be disease-causing. This sequence change affects a donor splice site in intron 7 of the RAPSN gene. While this variant is not anticipated to result in nonsense mediated decay, it likely alters RNA splicing and results in a disrupted protein product. This variant is not present in population databases (gnomAD no frequency). Disruption of this splice site has been observed in individual(s) with RAPSN-related conditions (PMID: 30266093). Variants that disrupt the consensus splice site are a relatively common cause of aberrant splicing (PMID: 17576681, 9536098). Algorithms developed to predict the effect of sequence changes on RNA splicing suggest that this variant may disrupt the consensus splice site. For these reasons, this variant has been classified as Pathogenic.

Literature cited by the submitters: PubMed 26782015; PubMed 29054425; PubMed 30266093; PubMed 17576681; PubMed 9536098.